The following is an entry in ClinVar:

ClinVar aggregate classification (germline): Pathogenic/Likely pathogenic. Review status: criteria provided, multiple submitters, no conflicts (2 of 4 stars). 3 submissions from 3 submitters: Pathogenic (1); Likely pathogenic (2). Last evaluated 2025-11-11.

Conditions:
Polyglandular autoimmune syndrome, type 1 (APS1). Also called: Autoimmune polyendocrinopathy syndrome, type I; Autoimmune polyendocrinopathy syndrome , type I, with or without reversible metaphyseal dysplasia; AUTOIMMUNE POLYENDOCRINE SYNDROME, TYPE I, WITH OR WITHOUT REVERSIBLE METAPHYSEAL DYSPLASIA; APS I; PGA I; HYPOADRENOCORTICISM WITH HYPOPARATHYROIDISM AND SUPERFICIAL MONILIASIS. Identifiers: Orphanet 3453, MedGen C0085859, MONDO:0009411, OMIM 240300.

Submissions (3):

Labcorp Genetics (formerly Invitae), Labcorp
Classification: Pathogenic for Polyglandular autoimmune syndrome, type 1. Last evaluated: 2025-11-11. Review status: criteria provided, single submitter. Criteria: Invitae Variant Classification Sherloc (09022015). Collection method: clinical testing. Allele origin: germline.
Comment: This sequence change creates a premature translational stop signal (p.Glu171Phefs*203) in the AIRE gene. It is expected to result in an absent or disrupted protein product. Loss-of-function variants in AIRE are known to be pathogenic (PMID: 11524731, 26141571). This variant is not present in population databases (gnomAD no frequency). This variant has not been reported in the literature in individuals affected with AIRE-related conditions. ClinVar contains an entry for this variant (Variation ID: 1460122). For these reasons, this variant has been classified as Pathogenic.

Natera, Inc.
Classification: Likely pathogenic for Polyglandular autoimmune syndrome type 1. Last evaluated: 2024-07-31. Review status: criteria provided, single submitter. Criteria: Natera Variant Classification Schema (03/2026). Collection method: clinical testing. Allele origin: germline.
Comment: The c.510_522del variant in AIRE is a frameshift variant predicted to shift the reading frame beginning at codon 171 and leads to a stop codon 203 codons downstream. This variant is expected to result in nonsense mediated decay, truncation, or a dysfunctional protein product. This variant is rare in the general population with a frequency below the threshold expected for the associated phenotype(s). Given the available evidence, this variant is classified as Likely Pathogenic.

Revvity Omics, Revvity
Classification: Likely pathogenic for Polyglandular autoimmune syndrome, type 1. Last evaluated: 2021-12-23. Review status: criteria provided, single submitter. Criteria: ACMG Guidelines, 2015. Collection method: clinical testing. Allele origin: germline.

Literature cited by the submitters: PubMed 11524731 (cited by Labcorp Genetics (formerly Invitae), Labcorp); PubMed 26141571 (cited by Labcorp Genetics (formerly Invitae), Labcorp).

NM_000383.4(AIRE):c.510_522del (p.Glu171fs)

Gene: AIRE (autoimmune regulator; plus strand). Cytogenetic location: 21q22.3.
Variant type: Deletion.
Coding change: c.510_522del on transcript NM_000383.4 (MANE Select); coding-DNA positions 510 to 522, 13 bases deleted (AGAGCAGCAGCGC).
Protein change: p.Glu171fs; shifts the reading frame from glutamic acid 171.
Molecular consequence: frameshift variant.
Genome position (GRCh38, 1-based): chr21:44,287,563-44,287,575, AGAGCAGCAGCGC deleted; deleting any 13 consecutive bases within chr21:44,287,555-44,287,575 gives the same sequence; the c. name uses the placement nearest the transcript's 3' end. VCF-style (leftmost placement, unchanged base first): chr21-44287554-GAGCAGCGCAGAGC-G. GRCh37 (hg19) VCF-style: chr21-45707437-GAGCAGCGCAGAGC-G.
Other names: c.510_522del (NM_000383.3); short protein forms E171fs.
Identifiers: ClinVar variation 1460122 (VCV001460122.9), dbSNP rs940485051, ClinGen allele CA2573157685.
Genomic context (GRCh38, chr21:44,287,554, plus strand): 5'-CTGCCCCCAGCTCCCCCATTCAGGCTCTCAACTGAAGGCCAAGCCCCCCAAGAAGCCGGA[GAGCAGCGCAGAGC>G]AGCAGCGCCTTCCACTCGGGAACGGTGAGCGGGGCCCAGTGGGAGCGCCTCCCTTCTCCC-3'